The following is an entry in ClinVar:

ClinVar aggregate classification (germline): Likely pathogenic (1 of 4 stars; one submission).

Conditions:
Coffin-Siris syndrome 1 (CSS1). Also called: Mental retardation, autosomal dominant 12; ARID1B-Related Coffin-Siris Syndrome. Identifiers: Orphanet 1465, MedGen C3281201, MONDO:0007617, OMIM 135900. Disease mechanism: gain of function.

Submission:

Institute of Human Genetics, University of Goettingen
Classification: Likely pathogenic for Coffin-Siris syndrome 1. Last evaluated: 2023-09-12. Review status: criteria provided, single submitter. Criteria: ACMG Guidelines, 2015. Collection method: clinical testing. Allele origin: germline. Inheritance: Sporadic. Affected: yes. Observed: 1 heterozygote.
Comment: The variant c.5983del (p.(Ser1995Valfs*62)) in exon 20 of the ARID1B-gene is not found in the gnomAD database, it creates a frame shift starting at codon Ser1995. The new reading frame ends in a STOP codon at position 62. Frameshift variants leading to a loss of function of ARID1B protein are a known mechanism of disease. This variant was found to be de novo in a patient with suspected Coffin-Siris Syndrom (PMID: 33768696, indicated here as NM_020732.3:c.5734del p.(Ser1912Valfs*62)). ACMG criteria used for classification: PVS1_str, PM2_supp, PP5.

Literature cited by the submitters: PubMed 33768696.

NM_001374828.1(ARID1B):c.6103del (p.Ser2035fs)

Gene: ARID1B (AT-rich interaction domain 1B; plus strand). Cytogenetic location: 6q25.3.
Variant type: Deletion.
Coding change: c.6103del on transcript NM_001374828.1 (MANE Select); coding-DNA position 6103, one base deleted (A; older notation c.6103delA).
Protein change: p.Ser2035fs; shifts the reading frame from serine 2035.
Molecular consequence: frameshift variant.
Genome position (GRCh38, 1-based): chr6:157,206,875, A deleted; the last of 4 consecutive A bases (chr6:157,206,872-157,206,875); deleting any one gives the same sequence. VCF-style (leftmost placement, unchanged base first): chr6-157206871-CA-C. GRCh37 (hg19) VCF-style: chr6-157528005-CA-C.
Other names: c.5734delA, p.Ser1912Valfs (NM_020732.3); c.5521delA, p.Ser1841Valfs (NM_175863.2); c.5854delA, p.Ser1952Valfs (NM_001346813.1); c.3604del, p.Ser1202fs (NM_001363725.2); c.5983del, p.Ser1995fs (NM_001371656.1, NM_001374820.1); c.5944del, p.Ser1982fs (NM_017519.3); short protein forms S1202fs, S1982fs, S1995fs, S2035fs.
Identifiers: ClinVar variation 2580853 (VCV002580853.2), dbSNP rs2538772819, ClinGen allele CA2580618174.
Genomic context (GRCh38, chr6:157,206,871, plus strand): 5'-AGACGCAAACCCTGGGCCCCAGACCGAAAGCAGTAAGTTTCCCTTTGGTATCCAGCAAGC[CA>C]AAAGTCACCGGAACATCAAGCTGCTGGAGGACGAGCCCAGGAGCCGAGACGAGACTCCTC-3'